The following is an entry in ClinVar:

NM_001160372.4(TRAPPC9):c.2557-14_2557-13inv

Gene: TRAPPC9 (trafficking protein particle complex subunit 9; minus strand). Cytogenetic location: 8q24.3.
Variant type: Inversion.
Coding change: c.2557-14_2557-13inv on transcript NM_001160372.4 (MANE Select).
Molecular consequence: intron variant.
Genome position: GRCh38 VCF-style: chr8-140024092-AA-TT. GRCh37 (hg19) VCF-style: chr8-141034189-AA-TT.
Other names: c.2557-14_2557-13inv (NM_031466.8, NM_001374683.1); c.2530-14_2530-13inv (NM_001321646.2); c.2413-14_2413-13inv (NM_001374684.1); c.2578-14_2578-13inv (NM_001374682.1).
Identifiers: ClinVar variation 1913588 (VCV001913588.3), ClinGen allele CA2580078606.

ClinVar aggregate classification (germline): Uncertain significance (1 of 4 stars; one submission).

Submission:

Labcorp Genetics (formerly Invitae), Labcorp
Classification: Uncertain significance. Last evaluated: 2023-03-24. Review status: criteria provided, single submitter. Criteria: Invitae Variant Classification Sherloc (09022015). Collection method: clinical testing. Allele origin: germline.
Comment: In summary, the available evidence is currently insufficient to determine the role of this variant in disease. Therefore, it has been classified as a Variant of Uncertain Significance. Experimental studies and prediction algorithms are not available or were not evaluated, and the effect of this variant on mRNA splicing is currently unknown. ClinVar contains an entry for this variant (Variation ID: 1913588). This variant has not been reported in the literature in individuals affected with TRAPPC9-related conditions. Information on the frequency of this variant in the gnomAD database is not available, as this variant may be reported differently in the database. This sequence change falls in intron 17 of the TRAPPC9 gene. It does not directly change the encoded amino acid sequence of the TRAPPC9 protein.